The following is an entry in ClinVar:

NM_206933.4(USH2A):c.10636G>T (p.Gly3546Ter)

Gene: USH2A (usherin; minus strand). Cytogenetic location: 1q41.
Variant type: single nucleotide variant.
Coding change: c.10636G>T on transcript NM_206933.4 (MANE Select); coding-DNA position 10636, G replaced by T.
Protein change: p.Gly3546Ter; replaces glycine 3546 with a stop codon.
Molecular consequence: nonsense.
Genome position (GRCh38, 1-based): chr1:215,782,146, C>A on the plus strand (G>T on the coding strand, the complement: USH2A is on the minus strand). VCF-style: chr1-215782146-C-A. GRCh37 (hg19) VCF-style: chr1-215955488-C-A.
Other names: short protein forms G3546*.
Identifiers: ClinVar variation 1297142 (VCV001297142.8), dbSNP rs1553261372, ClinGen allele CA344836839.

ClinVar aggregate classification (germline): Pathogenic/Likely pathogenic. Review status: criteria provided, multiple submitters, no conflicts (2 of 4 stars). 3 submissions from 3 submitters: Pathogenic (1); Likely pathogenic (2). Last evaluated 2023-11-04.

Conditions:
Retinitis pigmentosa (RP). Identifiers: Orphanet 791, MedGen C0035334, MeSH D012174, MONDO:0019200, OMIM 268000. Inheritance: Autosomal dominant, autosomal recessive and X linked inheritance.
Retinitis pigmentosa 39 (RP39). Identifiers: Orphanet 791, MedGen C3151138, MONDO:0013436, OMIM 613809.

gnomAD v4.1: 1 of 1,613,868 alleles (0.000062%); no homozygotes.

Submissions (3):

Genome-Nilou Lab
Classification: Likely pathogenic for Retinitis pigmentosa 39. Last evaluated: 2023-11-04. Review status: criteria provided, single submitter. Criteria: ACMG Guidelines, 2015. Collection method: clinical testing. Allele origin: germline. Affected: no.

Labcorp Genetics (formerly Invitae), Labcorp
Classification: Pathogenic. Last evaluated: 2021-08-23. Review status: criteria provided, single submitter. Criteria: Invitae Variant Classification Sherloc (09022015). Collection method: clinical testing. Allele origin: germline.
Comment: This sequence change creates a premature translational stop signal (p.Gly3546*) in the USH2A gene. It is expected to result in an absent or disrupted protein product. Loss-of-function variants in USH2A are known to be pathogenic (PMID: 10729113, 10909849, 20507924, 25649381). This variant is not present in population databases (ExAC no frequency). This premature translational stop signal has been observed in individual(s) with Usher syndrome (PMID: 29625443). Algorithms developed to predict the effect of sequence changes on RNA splicing suggest that this variant may create or strengthen a splice site. For these reasons, this variant has been classified as Pathogenic.

Broad Center for Mendelian Genomics, Broad Institute of MIT and Harvard
Classification: Likely pathogenic for Retinitis pigmentosa. Last evaluated: 2021-04-01. Review status: criteria provided, single submitter. Criteria: ACMG Guidelines, 2015. Collection method: curation. Allele origin: germline. Inheritance: Autosomal recessive inheritance. Affected: yes.
Comment: Through a review of available evidence we were able to apply the following criteria: PVS1, PM2. Based on this evidence we have classified this variant as Likely Pathogenic. If you have any questions about the classification please reach out to the Pierce Lab.

Literature cited by the submitters: PubMed 10729113 (cited by Labcorp Genetics (formerly Invitae), Labcorp); PubMed 10909849 (cited by Labcorp Genetics (formerly Invitae), Labcorp); PubMed 20507924 (cited by Labcorp Genetics (formerly Invitae), Labcorp); PubMed 25649381 (cited by Labcorp Genetics (formerly Invitae), Labcorp); PubMed 29625443 (cited by Labcorp Genetics (formerly Invitae), Labcorp); PubMed 34906470 (cited by Broad Center for Mendelian Genomics, Broad Institute of MIT and Harvard).